The following is an entry in ClinVar:

ClinVar aggregate classification (germline): Uncertain significance (1 of 4 stars; one submission).

gnomAD v4.1: 1 of 1,613,670 alleles (0.000062%); highest among the groups gnomAD compares: Non-Finnish European, 0.000085%; no homozygotes.

Submission:

Ambry Genetics
Classification: Uncertain significance. Last evaluated: 2024-09-27. Review status: criteria provided, single submitter. Criteria: Ambry Variant Classification Scheme 2023. Collection method: clinical testing. Allele origin: germline.
Comment: The p.Q1180R variant (also known as c.3539A>G), located in coding exon 16 of the POLQ gene, results from an A to G substitution at nucleotide position 3539. The glutamine at codon 1180 is replaced by arginine, an amino acid with highly similar properties. This amino acid position is conserved. In addition, this alteration is predicted to be tolerated by in silico analysis. Based on the available evidence, the clinical significance of this variant remains unclear.

NM_199420.4(POLQ):c.3539A>G (p.Gln1180Arg)

Gene: POLQ (DNA polymerase theta; minus strand). Cytogenetic location: 3q13.33.
Variant type: single nucleotide variant.
Coding change: c.3539A>G on transcript NM_199420.4 (MANE Select); coding-DNA position 3539, A replaced by G.
Protein change: p.Gln1180Arg; replaces glutamine 1180 with arginine.
Molecular consequence: missense variant.
Genome position (GRCh38, 1-based): chr3:121,489,392, T>C on the plus strand (A>G on the coding strand, the complement: POLQ is on the minus strand). VCF-style: chr3-121489392-T-C. GRCh37 (hg19) VCF-style: chr3-121208239-T-C.
Other names: short protein forms Q1180R.
Identifiers: ClinVar variation 3422369 (VCV003422369.1).